The following is an entry in ClinVar:

NM_031935.3(HMCN1):c.5469T>C (p.His1823=)

Gene: HMCN1 (hemicentin 1; plus strand). Cytogenetic location: 1q31.1.
Variant type: single nucleotide variant.
Coding change: c.5469T>C on transcript NM_031935.3 (MANE Select); coding-DNA position 5469, T replaced by C.
Protein change: p.His1823=; no amino-acid change (histidine 1823 retained).
Molecular consequence: synonymous variant.
Genome position (GRCh38, 1-based): chr1:186,018,351, T>C. VCF-style: chr1-186018351-T-C. GRCh37 (hg19) VCF-style: chr1-185987483-T-C.
Identifiers: ClinVar variation 2169857 (VCV002169857.4), dbSNP rs766045914, ClinGen allele CA1292264.

ClinVar aggregate classification (germline): Uncertain significance (1 of 4 stars; one submission).

Allele frequency attached by ClinVar (database versions not stated): ExAC 0.00001; gnomAD 0.00001; TOPMed 0.00002.
gnomAD v4.1: 3 of 1,612,180 alleles (0.00019%); highest among the groups gnomAD compares: African/African-American, 0.0027%; no homozygotes.

Submission:

Labcorp Genetics (formerly Invitae), Labcorp
Classification: Uncertain significance. Last evaluated: 2022-06-08. Review status: criteria provided, single submitter. Criteria: Invitae Variant Classification Sherloc (09022015). Collection method: clinical testing. Allele origin: germline.
Comment: In summary, the available evidence is currently insufficient to determine the role of this variant in disease. Therefore, it has been classified as a Variant of Uncertain Significance. Algorithms developed to predict the effect of sequence changes on RNA splicing suggest that this variant is not likely to affect RNA splicing. This variant has not been reported in the literature in individuals affected with HMCN1-related conditions. This variant is present in population databases (rs766045914, gnomAD 0.0009%). This sequence change affects codon 1823 of the HMCN1 mRNA. It is a 'silent' change, meaning that it does not change the encoded amino acid sequence of the HMCN1 protein. It affects a nucleotide within the consensus splice site.